The following is an entry in ClinVar:

ClinVar aggregate classification (germline): Uncertain significance (1 of 4 stars; one submission).

Conditions:
Developmental and epileptic encephalopathy, 33 (DEE33). Also called: Epileptic encephalopathy, early infantile, 33. Identifiers: Orphanet 442835, MedGen C4225337, MONDO:0014625, OMIM 616409.

Submission:

Labcorp Genetics (formerly Invitae), Labcorp
Classification: Uncertain significance for Developmental and epileptic encephalopathy, 33. Last evaluated: 2021-05-18. Review status: criteria provided, single submitter. Criteria: Invitae Variant Classification Sherloc (09022015). Collection method: clinical testing. Allele origin: germline.
Comment: In summary, the available evidence is currently insufficient to determine the role of this variant in disease. Therefore, it has been classified as a Variant of Uncertain Significance. Algorithms developed to predict the effect of missense changes on protein structure and function (SIFT, PolyPhen-2, Align-GVGD) all suggest that this variant is likely to be disruptive, but these predictions have not been confirmed by published functional studies and their clinical significance is uncertain. This variant has not been reported in the literature in individuals with EEF1A2-related conditions. This variant is not present in population databases (ExAC no frequency). This sequence change replaces arginine with tryptophan at codon 134 of the EEF1A2 protein (p.Arg134Trp). The arginine residue is highly conserved and there is a moderate physicochemical difference between arginine and tryptophan.

NM_001958.5(EEF1A2):c.400C>T (p.Arg134Trp)

Genes: EEF1A2 (eukaryotic translation elongation factor 1 alpha 2; minus strand), LOC132090595 (Neanderthal introgressed variant-containing enhancer experimental_60987; plus strand). Cytogenetic location: 20q13.33.
Variant type: single nucleotide variant.
Coding change: c.400C>T on transcript NM_001958.5 (MANE Select); coding-DNA position 400, C replaced by T.
Protein change: p.Arg134Trp; replaces arginine 134 with tryptophan.
Molecular consequence: missense variant.
Genome position (GRCh38, 1-based): chr20:63,495,026, G>A on the plus strand (C>T on the coding strand, the complement: EEF1A2 is on the minus strand). VCF-style: chr20-63495026-G-A. GRCh37 (hg19) VCF-style: chr20-62126379-G-A.
Other names: short protein forms R134W.
Identifiers: ClinVar variation 956154 (VCV000956154.10), dbSNP rs1448765509, ClinGen allele CA409650234.